The following is an entry in ClinVar:

NM_001282225.2(ADA2):c.452C>T (p.Pro151Leu)

Gene: ADA2 (adenosine deaminase 2; minus strand). Cytogenetic location: 22q11.1.
Variant type: single nucleotide variant.
Coding change: c.452C>T on transcript NM_001282225.2 (MANE Select); coding-DNA position 452, C replaced by T.
Protein change: p.Pro151Leu; replaces proline 151 with leucine.
Molecular consequence: missense variant.
Genome position (GRCh38, 1-based): chr22:17,207,161, G>A on the plus strand (C>T on the coding strand, the complement: ADA2 is on the minus strand). VCF-style: chr22-17207161-G-A. GRCh37 (hg19) VCF-style: chr22-17688051-G-A.
Other names: c.452C>T, p.Pro151Leu (NM_001282226.2); c.326C>T, p.Pro109Leu (NM_001282227.2, NM_001282228.2); c.92C>T, p.Pro31Leu (NM_001282229.2); short protein forms P151L, P31L, P109L.
Identifiers: ClinVar variation 1983233 (VCV001983233.5), dbSNP rs2517354370, ClinGen allele CA410229670.

ClinVar aggregate classification (germline): Uncertain significance. Review status: criteria provided, multiple submitters, no conflicts (2 of 4 stars). 2 submissions from 2 submitters: Uncertain significance (2). Last evaluated 2024-05-10.

Conditions:
Deficiency of adenosine deaminase 2. Also called: Adenosine Deaminase 2 Deficiency; VASCULITIS, AUTOINFLAMMATION, IMMUNODEFICIENCY, AND HEMATOLOGIC DEFECTS SYNDROME; Polyarteritis nodosa, childhoood-onset. Identifiers: Orphanet 404553, MedGen C3887654, MONDO:0014306, OMIM 615688, MONDO:0100317.
Sneddon syndrome (SNDNS). Also called: LIVEDO RETICULARIS AND CEREBROVASCULAR ACCIDENTS; Idiopathic livedo reticularis with systemic involvement. Identifiers: Orphanet 820, MedGen C0282492, MONDO:0008436, OMIM 182410.

gnomAD v4.1: 3 of 1,614,238 alleles (0.00019%); highest among the groups gnomAD compares: South Asian, 0.0033%; no homozygotes.

Submissions (2):

Fulgent Genetics
Classification: Uncertain significance for Sneddon syndrome; Deficiency of adenosine deaminase 2. Last evaluated: 2024-05-10. Review status: criteria provided, single submitter. Criteria: ACMG Guidelines, 2015. Collection method: clinical testing. Allele origin: germline.

Labcorp Genetics (formerly Invitae), Labcorp
Classification: Uncertain significance for Deficiency of adenosine deaminase 2. Last evaluated: 2022-05-04. Review status: criteria provided, single submitter. Criteria: Invitae Variant Classification Sherloc (09022015). Collection method: clinical testing. Allele origin: germline.
Comment: This variant has not been reported in the literature in individuals affected with ADA2-related conditions. This variant is not present in population databases (gnomAD no frequency). This sequence change replaces proline, which is neutral and non-polar, with leucine, which is neutral and non-polar, at codon 151 of the ADA2 protein (p.Pro151Leu). In summary, the available evidence is currently insufficient to determine the role of this variant in disease. Therefore, it has been classified as a Variant of Uncertain Significance. Algorithms developed to predict the effect of missense changes on protein structure and function (SIFT, PolyPhen-2, Align-GVGD) all suggest that this variant is likely to be tolerated.